The following is an entry in ClinVar:

ClinVar aggregate classification (germline): Likely benign (1 of 4 stars; one submission).

gnomAD v4.1: 268 of 1,614,112 alleles (0.017%); highest among the groups gnomAD compares: Non-Finnish European, 0.021%; no homozygotes.

Submission:

CeGaT Center for Human Genetics Tuebingen
Classification: Likely benign. Last evaluated: 2024-10-01. Review status: criteria provided, single submitter. Criteria: CeGaT Center For Human Genetics Tuebingen Variant Classification Criteria Version 2. Collection method: clinical testing. Allele origin: germline. Affected: yes. Observed: 1 variant allele.
Comment: TEP1: BP4, BP7

NM_007110.5(TEP1):c.1338G>A (p.Gln446=)

Genes: TEP1 (telomerase associated protein 1; minus strand), LOC126861879 (CDK7 strongly-dependent group 2 enhancer GRCh37_chr14:20868788-20869987; plus strand). Cytogenetic location: 14q11.2.
Variant type: single nucleotide variant.
Coding change: c.1338G>A on transcript NM_007110.5 (MANE Select); coding-DNA position 1338, G replaced by A.
Protein change: p.Gln446=; no amino-acid change (glutamine 446 retained).
Molecular consequence: synonymous variant.
Genome position (GRCh38, 1-based): chr14:20,401,510, C>T on the plus strand (G>A on the coding strand, the complement: TEP1 is on the minus strand). VCF-style: chr14-20401510-C-T. GRCh37 (hg19) VCF-style: chr14-20869669-C-T.
Other names: c.1014G>A, p.Gln338= (NM_001319035.2).
Identifiers: ClinVar variation 3389272 (VCV003389272.14).